The following is an entry in ClinVar:

ClinVar aggregate classification (germline): Uncertain significance (1 of 4 stars; one submission).

Conditions:
Inborn genetic diseases. Identifiers: MedGen C0950123, MeSH D030342.

Submission:

Ambry Genetics
Classification: Uncertain significance for Inborn genetic diseases. Last evaluated: 2023-12-07. Review status: criteria provided, single submitter. Criteria: Ambry Variant Classification Scheme 2023. Collection method: clinical testing. Allele origin: germline.
Comment: The p.H14Q variant (also known as c.42C>G), located in coding exon 1 of the PIK3CA gene, results from a C to G substitution at nucleotide position 42. The histidine at codon 14 is replaced by glutamine, an amino acid with highly similar properties. This amino acid position is conserved. In addition, the in silico prediction for this alteration is inconclusive. Since supporting evidence is limited at this time, the clinical significance of this alteration remains unclear.

NM_006218.4(PIK3CA):c.42C>G (p.His14Gln)

Gene: PIK3CA (phosphatidylinositol-4,5-bisphosphate 3-kinase catalytic subunit alpha; plus strand). Cytogenetic location: 3q26.32.
Variant type: single nucleotide variant.
Coding change: c.42C>G on transcript NM_006218.4 (MANE Select); coding-DNA position 42, C replaced by G.
Protein change: p.His14Gln; replaces histidine 14 with glutamine.
Molecular consequence: missense variant.
Genome position (GRCh38, 1-based): chr3:179,198,867, C>G. VCF-style: chr3-179198867-C-G. GRCh37 (hg19) VCF-style: chr3-178916655-C-G.
Other names: short protein forms H14Q.
Identifiers: ClinVar variation 1739523 (VCV001739523.2), dbSNP rs766833890, ClinGen allele CA355270508.